The following is an entry in ClinVar:

ClinVar aggregate classification (germline): Uncertain significance (1 of 4 stars; one submission).

Conditions:
Familial hemophagocytic lymphohistiocytosis 3 (FHL3). Also called: UNC13D-Related Familial Hemophagocytic Lymphohistiocytosis (UNC13D-fHLH). Identifiers: Orphanet 540, MedGen C1837174, MONDO:0012146, OMIM 608898.

Submission:

Labcorp Genetics (formerly Invitae), Labcorp
Classification: Uncertain significance for Familial hemophagocytic lymphohistiocytosis 3. Last evaluated: 2021-09-09. Review status: criteria provided, single submitter. Criteria: Invitae Variant Classification Sherloc (09022015). Collection method: clinical testing. Allele origin: germline.
Comment: This sequence change replaces alanine with threonine at codon 644 of the UNC13D protein (p.Ala644Thr). The alanine residue is weakly conserved and there is a small physicochemical difference between alanine and threonine. This variant is not present in population databases (ExAC no frequency). This variant has not been reported in the literature in individuals affected with UNC13D-related conditions. Algorithms developed to predict the effect of missense changes on protein structure and function are either unavailable or do not agree on the potential impact of this missense change (SIFT: "Not Available"; PolyPhen-2: "Possibly Damaging"; Align-GVGD: "Not Available"). In summary, the available evidence is currently insufficient to determine the role of this variant in disease. Therefore, it has been classified as a Variant of Uncertain Significance.

NM_199242.3(UNC13D):c.1930G>A (p.Ala644Thr)

Gene: UNC13D (unc-13 homolog D; minus strand). Cytogenetic location: 17q25.1.
Variant type: single nucleotide variant.
Coding change: c.1930G>A on transcript NM_199242.3 (MANE Select); coding-DNA position 1930, G replaced by A.
Protein change: p.Ala644Thr; replaces alanine 644 with threonine.
Molecular consequence: missense variant.
Genome position (GRCh38, 1-based): chr17:75,834,982, C>T on the plus strand (G>A on the coding strand, the complement: UNC13D is on the minus strand). VCF-style: chr17-75834982-C-T. GRCh37 (hg19) VCF-style: chr17-73831063-C-T.
Other names: short protein forms A644T.
Identifiers: ClinVar variation 1380276 (VCV001380276.6), dbSNP rs2143876974, ClinGen allele CA401091223.
Genomic context (GRCh38, chr17:75,834,982, plus strand): 5'-CCACAAACTTGACGGTAATCATGAAGGCCTCCTCTGGGTCTGGCCAGTCCAGCTGCCGGG[C>T]AGTGTGGCTGATCTGGGCAAAGCAGGTGGATAGATCCACCGCTGATGTGCTGTGCTTGGT-3'
Protein context (NP_954712.1, residues 634-654): STCFAQISHT[Ala644Thr]RQLDWPDPEE